The following is an entry in ClinVar:

NM_001364905.1(LRBA):c.766T>C (p.Cys256Arg)

Gene: LRBA (LPS responsive beige-like anchor protein; minus strand). Cytogenetic location: 4q31.3.
Variant type: single nucleotide variant.
Coding change: c.766T>C on transcript NM_001364905.1 (MANE Select); coding-DNA position 766, T replaced by C.
Protein change: p.Cys256Arg; replaces cysteine 256 with arginine.
Molecular consequence: missense variant.
Genome position (GRCh38, 1-based): chr4:150,916,618, A>G on the plus strand (T>C on the coding strand, the complement: LRBA is on the minus strand). VCF-style: chr4-150916618-A-G. GRCh37 (hg19) VCF-style: chr4-151837770-A-G.
Other names: c.766T>C, p.Cys256Arg (NM_001199282.3, NM_001367550.1, NM_006726.5); short protein forms C256R.
Identifiers: ClinVar variation 1997006 (VCV001997006.4), dbSNP rs2546665992, ClinGen allele CA358436396.

ClinVar aggregate classification (germline): Uncertain significance (1 of 4 stars; one submission).

Conditions:
Combined immunodeficiency due to LRBA deficiency. Also called: Common variable immunodeficiency 8, with autoimmunity. Identifiers: Orphanet 445018, MedGen C3553512, MONDO:0013863, OMIM 614700.

Submission:

Labcorp Genetics (formerly Invitae), Labcorp
Classification: Uncertain significance for Combined immunodeficiency due to LRBA deficiency. Last evaluated: 2022-07-14. Review status: criteria provided, single submitter. Criteria: Invitae Variant Classification Sherloc (09022015). Collection method: clinical testing. Allele origin: germline.
Comment: In summary, the available evidence is currently insufficient to determine the role of this variant in disease. Therefore, it has been classified as a Variant of Uncertain Significance. Algorithms developed to predict the effect of missense changes on protein structure and function are either unavailable or do not agree on the potential impact of this missense change (SIFT: "Tolerated"; PolyPhen-2: "Probably Damaging"; Align-GVGD: "Class C0"). This variant has not been reported in the literature in individuals affected with LRBA-related conditions. This variant is not present in population databases (gnomAD no frequency). This sequence change replaces cysteine, which is neutral and slightly polar, with arginine, which is basic and polar, at codon 256 of the LRBA protein (p.Cys256Arg).